The following is an entry in ClinVar:

ClinVar aggregate classification (germline): Uncertain significance (1 of 4 stars; one submission).

Conditions:
Charcot-Marie-Tooth disease axonal type 2C (HMSN2C). Also called: CHARCOT-MARIE-TOOTH DISEASE, AXONAL, AUTOSOMAL DOMINANT, TYPE 2C; Charcot-Marie-Tooth Neuropathy Type 2C; Charcot-Marie-Tooth Disease Type 2, TRPV4-Related (CMT2C). Identifiers: Orphanet 99937, MedGen C1853710, MONDO:0011633, OMIM 606071.

gnomAD v4.1: 18 of 1,613,992 alleles (0.0011%); highest among the groups gnomAD compares: African/African-American, 0.0067%; no homozygotes.

Submission:

Labcorp Genetics (formerly Invitae), Labcorp
Classification: Uncertain significance for Charcot-Marie-Tooth disease axonal type 2C. Last evaluated: 2025-03-26. Review status: criteria provided, single submitter. Criteria: Invitae Variant Classification Sherloc (09022015). Collection method: clinical testing. Allele origin: germline.
Comment: This sequence change replaces valine, which is neutral and non-polar, with methionine, which is neutral and non-polar, at codon 258 of the TRPV4 protein (p.Val258Met). This variant is present in population databases (rs138419280, gnomAD 0.01%). This variant has not been reported in the literature in individuals affected with TRPV4-related conditions. Invitae Evidence Modeling of protein sequence and biophysical properties (such as structural, functional, and spatial information, amino acid conservation, physicochemical variation, residue mobility, and thermodynamic stability) indicates that this missense variant is not expected to disrupt TRPV4 protein function with a negative predictive value of 95%. In summary, the available evidence is currently insufficient to determine the role of this variant in disease. Therefore, it has been classified as a Variant of Uncertain Significance.

NM_021625.5(TRPV4):c.772G>A (p.Val258Met)

Gene: TRPV4 (transient receptor potential cation channel subfamily V member 4; minus strand). Cytogenetic location: 12q24.11.
Variant type: single nucleotide variant.
Coding change: c.772G>A on transcript NM_021625.5 (MANE Select); coding-DNA position 772, G replaced by A.
Protein change: p.Val258Met; replaces valine 258 with methionine.
Molecular consequence: missense variant. On other transcripts: intron variant (2).
Genome position (GRCh38, 1-based): chr12:109,800,699, C>T on the plus strand (G>A on the coding strand, the complement: TRPV4 is on the minus strand). VCF-style: chr12-109800699-C-T. GRCh37 (hg19) VCF-style: chr12-110238504-C-T.
Other names: c.670G>A, p.Val224Met (NM_001177431.2); c.772G>A, p.Val258Met (NM_147204.3); c.713-1787G>A (NM_001177433.1, NM_001177428.1); short protein forms V224M, V258M.
Identifiers: ClinVar variation 3730312 (VCV003730312.2).